The following is an entry in ClinVar:

NM_000548.5(TSC2):c.3688G>A (p.Glu1230Lys)

Gene: TSC2 (TSC complex subunit 2; plus strand). Cytogenetic location: 16p13.3.
Variant type: single nucleotide variant.
Coding change: c.3688G>A on transcript NM_000548.5 (MANE Select); coding-DNA position 3688, G replaced by A.
Protein change: p.Glu1230Lys; replaces glutamic acid 1230 with lysine.
Molecular consequence: missense variant.
Genome position (GRCh38, 1-based): chr16:2,081,672, G>A. VCF-style: chr16-2081672-G-A. GRCh37 (hg19) VCF-style: chr16-2131673-G-A.
Other names: c.3556G>A, p.Glu1186Lys (NM_001077183.3, NM_001370404.1, NM_001406665.1); c.3688G>A, p.Glu1230Lys (NM_001114382.3); c.3448G>A, p.Glu1150Lys (NM_001318827.2); c.3412G>A, p.Glu1138Lys (NM_001318829.2); c.2956G>A, p.Glu986Lys (NM_001318831.2, NM_001406687.1, NM_001406688.1); c.3589G>A, p.Glu1197Lys (NM_001318832.2); c.3559G>A, p.Glu1187Lys (NM_001363528.2, NM_001370405.1, NM_021055.3); c.3685G>A, p.Glu1229Lys (NM_001406663.1, NM_001406664.1); and 18 more; short protein forms E1150K, E1183K, E1186K, E1197K, E1230K, E738K, E1029K, E1030K.
Identifiers: ClinVar variation 2090283 (VCV002090283.4), dbSNP rs2151482097, ClinGen allele CA394292406.

ClinVar aggregate classification (germline): Uncertain significance (1 of 4 stars; one submission).

Conditions:
Tuberous sclerosis 2 (TSC2). Identifiers: Orphanet 805, MedGen C1860707, MONDO:0013199, OMIM 613254.

Submission:

Labcorp Genetics (formerly Invitae), Labcorp
Classification: Uncertain significance for Tuberous sclerosis 2. Last evaluated: 2022-01-27. Review status: criteria provided, single submitter. Criteria: Invitae Variant Classification Sherloc (09022015). Collection method: clinical testing. Allele origin: germline.
Comment: In summary, the available evidence is currently insufficient to determine the role of this variant in disease. Therefore, it has been classified as a Variant of Uncertain Significance. This sequence change replaces glutamic acid, which is acidic and polar, with lysine, which is basic and polar, at codon 1230 of the TSC2 protein (p.Glu1230Lys). This variant is not present in population databases (gnomAD no frequency). This variant has not been reported in the literature in individuals affected with TSC2-related conditions. Advanced modeling of protein sequence and biophysical properties (such as structural, functional, and spatial information, amino acid conservation, physicochemical variation, residue mobility, and thermodynamic stability) performed at Invitae indicates that this missense variant is not expected to disrupt TSC2 protein function.